The following is an entry in ClinVar:

ClinVar aggregate classification (germline): Pathogenic. Review status: reviewed by expert panel (3 of 4 stars). 2 submissions from 2 submitters: Pathogenic (1). 1 of the submissions does not count toward it. Last evaluated 2016-09-08.

Conditions:
Malignant tumor of breast. Also called: Malignant breast neoplasm; Cancer breast. Identifiers: MedGen C0006142, MONDO:0007254. Disease mechanism: loss of function.
Breast-ovarian cancer, familial, susceptibility to, 2 (BROVCA2). Also called: BRCA2 Hereditary Breast and Ovarian Cancer. Identifiers: Orphanet 145, MedGen C2675520, MONDO:0012933, OMIM 612555. Disease mechanism: loss of function.

Submissions (2):

Evidence-based Network for the Interpretation of Germline Mutant Alleles (ENIGMA)
Classification: Pathogenic for Breast-ovarian cancer, familial, susceptibility to, 2. Last evaluated: 2016-09-08. Review status: reviewed by expert panel. Criteria: ENIGMA BRCA1/2 Classification Criteria (2015). Collection method: curation. Allele origin: germline.
Comment: Variant allele predicted to encode a truncated non-functional protein.

Department of Pathology and Laboratory Medicine, Sinai Health System
Classification: Pathogenic for Malignant tumor of breast. Review status: no assertion criteria provided. Collection method: clinical testing. Allele origin: unknown. Affected: yes. Study: The Canadian Open Genetics Repository (COGR). Not counted in ClinVar's aggregate classification.
Comment: The variant was also identified in HGMD, and once in BIC as a variant with clinical importance. The p.Ile2490Tyrfs*7 duplication variant is predicted to cause a frameshift, which alters the protein's amino acid sequence beginning at codon 2490 and leads to a premature stop codon 7 codons downstream. This alteration is then predicted to result in a truncated or absent protein and loss of function. Loss of function variants of the BRCA2 gene are an established mechanism of disease in hereditary breast and ovarian cancer and is the type of variant expected to cause the disorder. In summary, based on the above information, this variant meets our laboratoryâ€šÃ„Ã´s criteria to be classified as pathogenic.

NM_000059.4(BRCA2):c.7467dup (p.Ile2490fs)

Gene: BRCA2 (BRCA2 DNA repair associated; plus strand). Cytogenetic location: 13q13.1.
Variant type: Duplication.
Coding change: c.7467dup on transcript NM_000059.4 (MANE Select); coding-DNA position 7467, one base duplicated (T; older notation c.7467dupT).
Protein change: p.Ile2490fs; shifts the reading frame from isoleucine 2490.
Molecular consequence: frameshift variant.
Genome position (GRCh38, 1-based): chr13:32,356,459, T duplicated. VCF-style (leftmost placement, unchanged base first): chr13-32356458-A-AT. GRCh37 (hg19) VCF-style: chr13-32930595-A-AT.
Other names: c.7467dupT (NM_000059.3); short protein forms I2490fs.
Identifiers: ClinVar variation 52338 (VCV000052338.5), dbSNP rs397507918, ClinGen allele CA025102.